The following is an entry in ClinVar:

ClinVar aggregate classification (germline): Likely benign. Review status: criteria provided, multiple submitters, no conflicts (2 of 4 stars). 3 submissions from 3 submitters: Likely benign (3). Last evaluated 2025-11-24.

Conditions:
Acyl-CoA dehydrogenase 9 deficiency. Also called: MITOCHONDRIAL COMPLEX I DEFICIENCY, NUCLEAR TYPE 20; Acyl-CoA dehydrogenase family, member 9, deficiency of. Identifiers: Orphanet 99901, MedGen C4747517, MONDO:0012624, OMIM 611126.

Allele frequency attached by ClinVar (database versions not stated): TOPMed 0.00001; gnomAD exomes 0.00006 and 0.00013; ExAC 0.00012.
gnomAD v4.1: 88 of 1,614,204 alleles (0.0055%); highest among the groups gnomAD compares: South Asian, 0.079%; no homozygotes.

Submissions (3):

Labcorp Genetics (formerly Invitae), Labcorp
Classification: Likely benign. Last evaluated: 2025-11-24. Review status: criteria provided, single submitter. Criteria: Invitae Variant Classification Sherloc (09022015). Collection method: clinical testing. Allele origin: germline.

Fulgent Genetics
Classification: Likely benign for Acyl-CoA dehydrogenase 9 deficiency. Last evaluated: 2021-08-12. Review status: criteria provided, single submitter. Criteria: ACMG Guidelines, 2015. Collection method: clinical testing. Allele origin: unknown.

GeneDx
Classification: Likely benign. Last evaluated: 2017-09-22. Review status: criteria provided, single submitter. Criteria: GeneDx Variant Classification (06012015). Collection method: clinical testing. Allele origin: germline. Affected: yes.
Comment: This variant is considered likely benign or benign based on one or more of the following criteria: it is a conservative change, it occurs at a poorly conserved position in the protein, it is predicted to be benign by multiple in silico algorithms, and/or has population frequency not consistent with disease.

NM_014049.5(ACAD9):c.1233G>A (p.Pro411=)

Gene: ACAD9 (acyl-CoA dehydrogenase family member 9; plus strand). Cytogenetic location: 3q21.3.
Variant type: single nucleotide variant.
Coding change: c.1233G>A on transcript NM_014049.5 (MANE Select); coding-DNA position 1233, G replaced by A.
Protein change: p.Pro411=; no amino-acid change (proline 411 retained).
Molecular consequence: synonymous variant. On other transcripts: non-coding transcript variant (1).
Genome position (GRCh38, 1-based): chr3:128,906,204, G>A. VCF-style: chr3-128906204-G-A. GRCh37 (hg19) VCF-style: chr3-128625047-G-A.
Identifiers: ClinVar variation 511801 (VCV000511801.11), dbSNP rs754767509, ClinGen allele CA2601439.
Genomic context (GRCh38, chr3:128,906,204, plus strand): 5'-GCAGTGTGTGAGTGAGGCGCTGCAGATCCTCGGGGGCTTGGGCTACACAAGGGACTATCC[G>A]TACGAGCGCATACTGCGTGACACCCGCATCCTCCTCATCTTCGAGGTGAGTGGCCCCGCC-3'
Protein context (NP_054768.2, residues 401-421): LGGLGYTRDY[Pro411=]YERILRDTRI